The following is an entry in ClinVar:

NM_025114.4(CEP290):c.100A>C (p.Lys34Gln)

Gene: CEP290 (centrosomal protein 290; minus strand). Cytogenetic location: 12q21.32.
Variant type: single nucleotide variant.
Coding change: c.100A>C on transcript NM_025114.4 (MANE Select); coding-DNA position 100, A replaced by C.
Protein change: p.Lys34Gln; replaces lysine 34 with glutamine.
Molecular consequence: missense variant.
Genome position (GRCh38, 1-based): chr12:88,141,208, T>G on the plus strand (A>C on the coding strand, the complement: CEP290 is on the minus strand). VCF-style: chr12-88141208-T-G. GRCh37 (hg19) VCF-style: chr12-88534985-T-G.
Other names: short protein forms K34Q.
Identifiers: ClinVar variation 1714420 (VCV001714420.6), dbSNP rs2040637392, ClinGen allele CA385990090.

ClinVar aggregate classification (germline): Uncertain significance (1 of 4 stars; one submission).

Conditions:
Nephronophthisis. Also called: Juvenile Nephronophthisis. Identifiers: Orphanet 655, MedGen C0687120, MONDO:0019005, HP:0000090.
Meckel-Gruber syndrome. Also called: DYSENCEPHALIA SPLANCHNOCYSTICA; GRUBER SYNDROME; Dysencephalia splachnocystica. Identifiers: Orphanet 564, MedGen C0265215, MONDO:0018921.
Joubert syndrome. Also called: CEREBELLOPARENCHYMAL DISORDER IV; JOUBERT-BOLTSHAUSER SYNDROME; Familial aplasia of the vermis. Identifiers: Orphanet 475, MedGen C5979921, MONDO:0018772.

Allele frequency attached by ClinVar (database versions not stated): TOPMed below 0.00001.

Submission:

Labcorp Genetics (formerly Invitae), Labcorp
Classification: Uncertain significance for Joubert syndrome; Meckel-Gruber syndrome; Nephronophthisis. Last evaluated: 2022-11-22. Review status: criteria provided, single submitter. Criteria: Invitae Variant Classification Sherloc (09022015). Collection method: clinical testing. Allele origin: germline.
Comment: This sequence change replaces lysine, which is basic and polar, with glutamine, which is neutral and polar, at codon 34 of the CEP290 protein (p.Lys34Gln). In summary, the available evidence is currently insufficient to determine the role of this variant in disease. Therefore, it has been classified as a Variant of Uncertain Significance. Algorithms developed to predict the effect of missense changes on protein structure and function (SIFT, PolyPhen-2, Align-GVGD) all suggest that this variant is likely to be tolerated. This variant has not been reported in the literature in individuals affected with CEP290-related conditions. This variant is not present in population databases (gnomAD no frequency).